The following is an entry in ClinVar:

ClinVar aggregate classification (germline): Uncertain significance (1 of 4 stars; one submission).

Submission:

Ambry Genetics
Classification: Uncertain significance. Last evaluated: 2026-03-04. Review status: criteria provided, single submitter. Criteria: Ambry Variant Classification Scheme 2023. Collection method: clinical testing. Allele origin: germline.
Comment: The c.4269delC variant, located in coding exon 12 of the MLH3 gene, results from a deletion of one nucleotide at nucleotide position 4269, causing a translational frameshift with a predicted alternate stop codon (p.M1425Wfs*68). This variant occurs at the 3' terminus of the gene, is not expected to trigger nonsense-mediated mRNAdecay and results in the elongation of the protein by 38 amino acids. This frameshift impacts the last 29amino acids of the native protein. The exact functional effect of the altered amino acids is unknown. The evidence for this gene-disease relationship is limited; therefore, the clinical significance of this variant is unclear.

NM_001040108.2(MLH3):c.4269del (p.Met1425fs)

Gene: MLH3 (mutL homolog 3; minus strand). Cytogenetic location: 14q24.3.
Variant type: Deletion.
Coding change: c.4269del on transcript NM_001040108.2 (MANE Select); coding-DNA position 4269, one base deleted (C; older notation c.4269delC).
Protein change: p.Met1425fs; shifts the reading frame from methionine 1425.
Molecular consequence: frameshift variant.
Genome position (GRCh38, 1-based): chr14:75,017,175, G deleted on the plus strand (C on the coding strand, the reverse complement: MLH3 is on the minus strand). VCF-style (leftmost placement, unchanged base first): chr14-75017174-TG-T. GRCh37 (hg19) VCF-style: chr14-75483877-TG-T.
Other names: c.4197del, p.Met1401fs (NM_014381.3); short protein forms M1401fs, M1425fs.
Identifiers: ClinVar variation 4826061 (VCV004826061.1).